The following is an entry in ClinVar:

NM_033542.4(SYS1):c.345G>A (p.Ser115=)

Genes: SYS1 (SYS1 golgi trafficking protein; plus strand), SYS1-DBNDD2 (SYS1-DBNDD2 readthrough (NMD candidate); plus strand). Cytogenetic location: 20q13.12.
Variant type: single nucleotide variant.
Coding change: c.345G>A on transcript NM_033542.4 (MANE Select); coding-DNA position 345, G replaced by A.
Protein change: p.Ser115=; no amino-acid change (serine 115 retained).
Molecular consequence: synonymous variant. On other transcripts: intron variant (1).
Genome position (GRCh38, 1-based): chr20:45,366,989, G>A. VCF-style: chr20-45366989-G-A. GRCh37 (hg19) VCF-style: chr20-43995629-G-A.
Other names: c.345G>A, p.Ser115= (NM_001197129.2); c.230+1303G>A (NM_001099791.3).
Identifiers: ClinVar variation 2652349 (VCV002652349.24), dbSNP rs369517018, ClinGen allele CA9877238.

ClinVar aggregate classification (germline): Likely benign (1 of 4 stars; one submission).

gnomAD v4.1: 15 of 1,614,068 alleles (0.00093%); highest among the groups gnomAD compares: East Asian, 0.0067%; 2 homozygotes.

Submission:

CeGaT Center for Human Genetics Tuebingen
Classification: Likely benign. Last evaluated: 2023-04-01. Review status: criteria provided, single submitter. Criteria: CeGaT Center For Human Genetics Tuebingen Variant Classification Criteria Version 2. Collection method: clinical testing. Allele origin: germline. Affected: yes. Observed: 1 variant allele.
Comment: SYS1: BP4, BP7